The following is an entry in ClinVar:

ClinVar aggregate classification (germline): Pathogenic/Likely pathogenic. Review status: criteria provided, multiple submitters, no conflicts (2 of 4 stars). 8 submissions from 7 submitters: Pathogenic (1); Likely pathogenic (4). 3 of the submissions do not count toward it. Last evaluated 2025-09-07.

Conditions:
Spinocerebellar ataxia 48. Identifiers: Orphanet 631103, MedGen C4748158, MONDO:0032526, OMIM 618093.
STUB1-related disorder. Also called: STUB1-related condition.
Autosomal recessive spinocerebellar ataxia 16. Identifiers: Orphanet 412057, MedGen C5190574, MONDO:0014339, OMIM 615768.

Allele frequency attached by ClinVar (database versions not stated): ExAC 0.00003; gnomAD exomes below 0.00001.

Submissions (8):

GeneDx
Classification: Likely pathogenic. Last evaluated: 2025-09-07. Review status: criteria provided, single submitter. Criteria: GeneDx Variant Classification Process June 2021. Collection method: clinical testing. Allele origin: germline. Affected: yes.
Comment: Published functional studies showed that N65S destabilized the STUB1 protein, referred to as CHIP, resulting in reduced protein expression, disrupted interaction with E2 chaperone proteins, and inability to form ubiquitin chains (PMID: 29317501, 25258038); In silico analysis supports that this missense variant has a deleterious effect on protein structure/function; In silico analysis is inconclusive as to whether the variant alters gene splicing. In the absence of RNA/functional studies, the actual effect of this sequence change is unknown.; Not observed at significant frequency in large population cohorts (gnomAD); This variant is associated with the following publications: (PMID: 28396517, 25258038, 31571321, 29317501, 36476347, 36892293, 35398354, 36853170, 36594740, 39266525, 36520313, 33564152, 36422518, 32713943)

Variantyx, Inc.
Classification: Likely pathogenic for Spinocerebellar ataxia 48. Last evaluated: 2025-03-24. Review status: criteria provided, single submitter. Criteria: Variantyx Assertion Criteria 2022. Collection method: clinical testing. Allele origin: germline. Affected: yes.
Comment: This is a nonsynonymous variant in the STUB1 gene (OMIM: 607207). Pathogenic variants in this gene have been associated with autosomal dominant spinocerebellar ataxia 48. This variant has been reported in at least 7 unrelated affected individual(s) (PMID: 36422518, 32713943, 33564152) (PS4_Moderate). Functional studies have shown that this variant alters STUB1 protein function (PMID: 25258038, 29317501) (PS3_Moderate). This variant lies within a known hotspot for pathogenic variants or a well-established critical functional domain of the STUB1 protein (PMID: 25258038) (PM1). Multiple computational algorithms predict a deleterious effect for this variant (REVEL score: 0.919) (PP3_Moderate). This variant has a 0.0026% maximum allele frequency in non-founder control populations (PM2_Supporting). Based on the current evidence, this variant is classified as likely pathogenic for autosomal dominant spinocerebellar ataxia 48

Mayo Clinic Laboratories, Mayo Clinic
Classification: Likely pathogenic. Last evaluated: 2024-05-31. Review status: criteria provided, single submitter. Criteria: ACMG Guidelines, 2015. Collection method: clinical testing. Allele origin: germline. Observed: 1 variant allele.
Comment: PP1, PP3, PM1_supporting, PM2, PM3_supporting, PS3_moderate

Blueprint Genetics
Classification: Pathogenic for STUB1-related disorders. Last evaluated: 2022-12-06. Review status: criteria provided, single submitter. Criteria: ACMG Guidelines, 2015. Collection method: clinical testing. Allele origin: germline. Affected: yes. Observed: 1 variant allele.

Institute of Human Genetics Munich, TUM University Hospital
Classification: Likely pathogenic for Spinocerebellar ataxia 48. Last evaluated: 2021-11-23. Review status: criteria provided, single submitter. Criteria: Classification criteria August 2017. Collection method: clinical testing. Allele origin: germline. Inheritance: Autosomal dominant inheritance. Affected: yes. Observed: 1 variant allele.

Solve-RD Consortium
Classification: Likely pathogenic for Autosomal recessive spinocerebellar ataxia 16. Last evaluated: 2022-06-01. Review status: no assertion criteria provided. Collection method: provider interpretation. Allele origin: inherited. Affected: yes. Not counted in ClinVar's aggregate classification.
Comment: Variant confirmed as disease-causing by referring clinical team

Variant identified during reanalysis of unsolved cases by the Solve-RD project. The Solve-RD project has received funding from the European Union’s Horizon 2020 research and innovation programme under grant agreement No 779257.

OMIM
Classification: Pathogenic for SPINOCEREBELLAR ATAXIA, AUTOSOMAL RECESSIVE 16. Last evaluated: 2014-09-26. Review status: no assertion criteria provided. Collection method: literature only. Allele origin: germline. Not counted in ClinVar's aggregate classification.

OMIM
Classification: Pathogenic for SPINOCEREBELLAR ATAXIA 48. Last evaluated: 2014-09-26. Review status: no assertion criteria provided. Collection method: literature only. Allele origin: germline. Not counted in ClinVar's aggregate classification.

Literature cited by the submitters: PubMed 10330192 (cited by Mayo Clinic Laboratories, Mayo Clinic); PubMed 25258038 (cited by Mayo Clinic Laboratories, Mayo Clinic and OMIM); PubMed 28396517 (cited by Mayo Clinic Laboratories, Mayo Clinic); PubMed 32713943 (cited by Mayo Clinic Laboratories, Mayo Clinic and OMIM); PubMed 36422518 (cited by Mayo Clinic Laboratories, Mayo Clinic); PubMed 39825153 (cited by Solve-RD Consortium).

NM_005861.4(STUB1):c.194A>G (p.Asn65Ser)

Gene: STUB1 (STIP1 homology and U-box containing protein 1; plus strand). Cytogenetic location: 16p13.3.
Variant type: single nucleotide variant.
Coding change: c.194A>G on transcript NM_005861.4 (MANE Select); coding-DNA position 194, A replaced by G.
Protein change: p.Asn65Ser; replaces asparagine 65 with serine.
Molecular consequence: missense variant. On other transcripts: 5 prime UTR variant (1).
Genome position (GRCh38, 1-based): chr16:681,186, A>G. VCF-style: chr16-681186-A-G. GRCh37 (hg19) VCF-style: chr16-731186-A-G.
Other names: c.-23A>G (NM_001293197.2); short protein forms N65S.
Identifiers: ClinVar variation 162097 (VCV000162097.12), dbSNP rs690016544, ClinGen allele CA174973.